The following is an entry in ClinVar:

ClinVar aggregate classification (germline): Uncertain significance. Review status: criteria provided, multiple submitters, no conflicts (2 of 4 stars). 2 submissions from 2 submitters: Uncertain significance (2). Last evaluated 2025-08-13.

Submissions (2):

Labcorp Genetics (formerly Invitae), Labcorp
Classification: Uncertain significance. Last evaluated: 2025-08-13. Review status: criteria provided, single submitter. Criteria: Invitae Variant Classification Sherloc (09022015). Collection method: clinical testing. Allele origin: germline.
Comment: This sequence change replaces aspartic acid, which is acidic and polar, with tyrosine, which is neutral and polar, at codon 342 of the VCAN protein (p.Asp342Tyr). This variant is not present in population databases (gnomAD no frequency). This variant has not been reported in the literature in individuals affected with VCAN-related conditions. ClinVar contains an entry for this variant (Variation ID: 3899594). An algorithm developed to predict the effect of missense changes on protein structure and function (PolyPhen-2) suggests that this variant is likely to be disruptive. In summary, the available evidence is currently insufficient to determine the role of this variant in disease. Therefore, it has been classified as a Variant of Uncertain Significance.

GeneDx
Classification: Uncertain significance. Last evaluated: 2024-11-11. Review status: criteria provided, single submitter. Criteria: GeneDx Variant Classification Process June 2021. Collection method: clinical testing. Allele origin: germline. Affected: yes.
Comment: Not observed at significant frequency in large population cohorts (gnomAD); In silico analysis supports that this missense variant has a deleterious effect on protein structure/function; Has not been previously published as pathogenic or benign to our knowledge

NM_004385.5(VCAN):c.1024G>T (p.Asp342Tyr)

Gene: VCAN (versican; plus strand). Cytogenetic location: 5q14.3.
Variant type: single nucleotide variant.
Coding change: c.1024G>T on transcript NM_004385.5 (MANE Select); coding-DNA position 1024, G replaced by T.
Protein change: p.Asp342Tyr; replaces aspartic acid 342 with tyrosine.
Molecular consequence: missense variant.
Genome position (GRCh38, 1-based): chr5:83,512,378, G>T. VCF-style: chr5-83512378-G-T. GRCh37 (hg19) VCF-style: chr5-82808197-G-T.
Other names: c.1024G>T, p.Asp342Tyr (NM_001126336.3, NM_001164097.2, NM_001164098.2); short protein forms D342Y.
Identifiers: ClinVar variation 3899594 (VCV003899594.2).